The following is an entry in ClinVar:

ClinVar aggregate classification (germline): Uncertain significance. Review status: criteria provided, multiple submitters, no conflicts (2 of 4 stars). 2 submissions from 2 submitters: Uncertain significance (2). Last evaluated 2023-12-19.

Submissions (2):

GeneDx
Classification: Uncertain significance. Last evaluated: 2023-12-19. Review status: criteria provided, single submitter. Criteria: GeneDx Variant Classification Process June 2021. Collection method: clinical testing. Allele origin: germline. Affected: yes.
Comment: Not observed at significant frequency in large population cohorts (gnomAD); In silico analysis supports that this missense variant has a deleterious effect on protein structure/function; Has not been previously published as pathogenic or benign to our knowledge

Labcorp Genetics (formerly Invitae), Labcorp
Classification: Uncertain significance. Last evaluated: 2023-06-12. Review status: criteria provided, single submitter. Criteria: Invitae Variant Classification Sherloc (09022015). Collection method: clinical testing. Allele origin: germline.
Comment: In summary, the available evidence is currently insufficient to determine the role of this variant in disease. Therefore, it has been classified as a Variant of Uncertain Significance. An algorithm developed to predict the effect of missense changes on protein structure and function (PolyPhen-2) suggests that this variant is likely to be disruptive. This variant has not been reported in the literature in individuals affected with RUSC2-related conditions. This variant is not present in population databases (gnomAD no frequency). This sequence change replaces arginine, which is basic and polar, with proline, which is neutral and non-polar, at codon 1116 of the RUSC2 protein (p.Arg1116Pro).

NM_014806.5(RUSC2):c.3347G>C (p.Arg1116Pro)

Gene: RUSC2 (RUN and SH3 domain containing 2; plus strand). Cytogenetic location: 9p13.3.
Variant type: single nucleotide variant.
Coding change: c.3347G>C on transcript NM_014806.5 (MANE Select); coding-DNA position 3347, G replaced by C.
Protein change: p.Arg1116Pro; replaces arginine 1116 with proline.
Molecular consequence: missense variant. On other transcripts: non-coding transcript variant (1).
Genome position (GRCh38, 1-based): chr9:35,559,231, G>C. VCF-style: chr9-35559231-G-C. GRCh37 (hg19) VCF-style: chr9-35559228-G-C.
Other names: c.3347G>C, p.Arg1116Pro (NM_001135999.2); c.713G>C, p.Arg238Pro (NM_001330740.2); c.3347G>C (NM_001135999.1); short protein forms R238P, R1116P.
Identifiers: ClinVar variation 2842216 (VCV002842216.4), dbSNP rs375549317, ClinGen allele CA373350169.